The following is an entry in ClinVar:

NC_012920.1(MT-ND5):m.14113T>C

Gene: MT-ND5 (mitochondrially encoded NADH dehydrogenase 5; plus strand).
Variant type: single nucleotide variant.
Genome position: chrM-14113-T-C.
Identifiers: ClinVar variation 693668 (VCV000693668.1), dbSNP rs1603224531, ClinGen allele CA414820979.

ClinVar aggregate classification (germline): Uncertain significance (1 of 4 stars; one submission).

Conditions:
Leigh syndrome (NULS). Also called: Leigh's necrotizing encephalopathy; Leigh's disease; Leigh's syndrome; LEIGH SYNDROME, NUCLEAR; Leigh Syndrome (mtDNA deletion); Leigh Disease. Identifiers: Orphanet 506, MedGen C2931891, MONDO:0009723, OMIM 256000.

Submission:

Wong Mito Lab, Molecular and Human Genetics, Baylor College of Medicine
Classification: Uncertain significance for Leigh syndrome. Last evaluated: 2019-10-17. Review status: criteria provided, single submitter. Criteria: Modified ACMG Guidelines (Unpublished). Collection method: clinical testing. Allele origin: germline.
Comment: The NC_012920.1:m.14113T>C (YP_003024036.1:p.Phe593Leu) variant in MTND5 gene is interpretated to be a Uncertain Significance variant based on the modified ACMG guidelines (unpublished). This variant meets the following evidence codes: PP7, BP4